The following is an entry in ClinVar:

ClinVar aggregate classification (germline): Uncertain significance (1 of 4 stars; one submission).

Conditions:
Inborn genetic diseases. Identifiers: MedGen C0950123, MeSH D030342.

Submission:

Ambry Genetics
Classification: Uncertain significance for Inborn genetic diseases. Last evaluated: 2025-09-19. Review status: criteria provided, single submitter. Criteria: Ambry Variant Classification Scheme 2023. Collection method: clinical testing. Allele origin: germline.
Comment: The p.K317N variant (also known as c.951G>C), located in coding exon 11 of the FANCA gene, results from a G to C substitution at nucleotide position 951. The lysine at codon 317 is replaced by asparagine, an amino acid with similar properties. This amino acid position is conserved. In addition, this alteration is predicted to be tolerated by in silico analysis. Based on the available evidence, the clinical significance of this variant remains unclear.

NM_000135.4(FANCA):c.951G>C (p.Lys317Asn)

Gene: FANCA (FA complementation group A; minus strand). Cytogenetic location: 16q24.3.
Variant type: single nucleotide variant.
Coding change: c.951G>C on transcript NM_000135.4 (MANE Select); coding-DNA position 951, G replaced by C.
Protein change: p.Lys317Asn; replaces lysine 317 with asparagine.
Molecular consequence: missense variant.
Genome position (GRCh38, 1-based): chr16:89,795,961, C>G on the plus strand (G>C on the coding strand, the complement: FANCA is on the minus strand). VCF-style: chr16-89795961-C-G. GRCh37 (hg19) VCF-style: chr16-89862369-C-G.
Other names: c.951G>C, p.Lys317Asn (NM_001286167.3); short protein forms K317N.
Identifiers: ClinVar variation 4619156 (VCV004619156.1).